The following is an entry in ClinVar:

ClinVar aggregate classification (germline): Uncertain significance. Review status: criteria provided, multiple submitters, no conflicts (2 of 4 stars). 3 submissions from 3 submitters: Uncertain significance (3). Last evaluated 2026-01-06.

Conditions:
Tumor predisposition syndrome 2 (TPDS2). Also called: MBD4-ASSOCIATED NEOPLASIA SYNDROME; MBD4-Related Tumor Predisposition Syndrome; MBD4-associated neoplasia syndrome (MANS). Identifiers: Orphanet 661526, MedGen C5774186, MONDO:0859267, OMIM 619975.
Melanoma, uveal, susceptibility to, 1 (UVM1). Identifiers: Orphanet 39044, MedGen C1847724, MONDO:0011695, OMIM 606660. Disease mechanism: loss of function.
Inborn genetic diseases. Identifiers: MedGen C0950123, MeSH D030342.

Submissions (3):

Labcorp Genetics (formerly Invitae), Labcorp
Classification: Uncertain significance. Last evaluated: 2026-01-06. Review status: criteria provided, single submitter. Criteria: Invitae Variant Classification Sherloc (09022015). Collection method: clinical testing. Allele origin: germline.
Comment: This sequence change replaces threonine, which is neutral and polar, with alanine, which is neutral and non-polar, at codon 77 of the MBD4 protein (p.Thr77Ala). This variant is present in population databases (rs143811380, gnomAD 0.01%). This variant has not been reported in the literature in individuals affected with MBD4-related conditions. ClinVar contains an entry for this variant (Variation ID: 3543756). An algorithm developed to predict the effect of missense changes on protein structure and function outputs the following: PolyPhen-2: "Benign". The alanine amino acid residue is found in multiple mammalian species, which suggests that this missense change does not adversely affect protein function. In summary, the available evidence is currently insufficient to determine the role of this variant in disease. Therefore, it has been classified as a Variant of Uncertain Significance.

Ambry Genetics
Classification: Uncertain significance for Inborn genetic diseases. Last evaluated: 2025-05-20. Review status: criteria provided, single submitter. Criteria: Ambry Variant Classification Scheme 2023. Collection method: clinical testing. Allele origin: germline.

Fulgent Genetics
Classification: Uncertain significance for Melanoma, uveal, susceptibility to, 1; Tumor predisposition syndrome 2. Last evaluated: 2024-06-07. Review status: criteria provided, single submitter. Criteria: ACMG Guidelines, 2015. Collection method: clinical testing. Allele origin: germline.

NM_001276270.2(MBD4):c.229A>G (p.Thr77Ala)

Gene: MBD4 (methyl-CpG binding domain 4, DNA glycosylase; minus strand). Cytogenetic location: 3q21.3.
Variant type: single nucleotide variant.
Coding change: c.229A>G on transcript NM_001276270.2 (MANE Select); coding-DNA position 229, A replaced by G.
Protein change: p.Thr77Ala; replaces threonine 77 with alanine.
Molecular consequence: missense variant.
Genome position (GRCh38, 1-based): chr3:129,437,826, T>C on the plus strand (A>G on the coding strand, the complement: MBD4 is on the minus strand). VCF-style: chr3-129437826-T-C. GRCh37 (hg19) VCF-style: chr3-129156669-T-C.
Other names: c.229A>G, p.Thr77Ala (NM_001276271.2, NM_001276272.2, NM_001276273.2 and 1 more transcripts); short protein forms T77A.
Identifiers: ClinVar variation 3543756 (VCV003543756.5).